The following is an entry in ClinVar:

NM_000088.4(COL1A1):c.3088C>T (p.Pro1030Ser)

Gene: COL1A1 (collagen type I alpha 1 chain; minus strand). Cytogenetic location: 17q21.33.
Variant type: single nucleotide variant.
Coding change: c.3088C>T on transcript NM_000088.4 (MANE Select); coding-DNA position 3088, C replaced by T.
Protein change: p.Pro1030Ser; replaces proline 1030 with serine.
Molecular consequence: missense variant.
Genome position (GRCh38, 1-based): chr17:50,188,753, G>A on the plus strand (C>T on the coding strand, the complement: COL1A1 is on the minus strand). VCF-style: chr17-50188753-G-A. GRCh37 (hg19) VCF-style: chr17-48266114-G-A.
Other names: short protein forms P1030S.
Identifiers: ClinVar variation 3902287 (VCV003902287.1).

ClinVar aggregate classification (germline): Uncertain significance (1 of 4 stars; one submission).

Submission:

Women's Health and Genetics/Laboratory Corporation of America, LabCorp
Classification: Uncertain significance. Last evaluated: 2025-05-12. Review status: criteria provided, single submitter. Criteria: LabCorp Variant Classification Summary - May 2015. Collection method: clinical testing. Allele origin: germline.
Comment: Variant summary: COL1A1 c.3088C>T (p.Pro1030Ser) results in a non-conservative amino acid change in the encoded protein sequence. Algorithms developed to predict the effect of missense changes on protein structure and function all suggest that this variant is likely to be disruptive. The variant was absent in 251386 control chromosomes. The available data on variant occurrences in the general population are insufficient to allow any conclusion about variant significance. To our knowledge, no occurrence of c.3088C>T in individuals affected with Osteogenesis imperfecta type I and no experimental evidence demonstrating its impact on protein function have been reported. No submitters have cited clinical-significance assessments for this variant to ClinVar. Based on the evidence outlined above, the variant was classified as uncertain significance.